The following is an entry in ClinVar:

ClinVar aggregate classification (germline): Conflicting classifications of pathogenicity. Review status: criteria provided, conflicting classifications (1 of 4 stars). 3 submissions from 3 submitters: Uncertain significance (2); Likely benign (1). Last evaluated 2025-04-09.

Conditions:
Dilated cardiomyopathy 1G (CMD1G). Identifiers: Orphanet 154, MedGen C1858763, MONDO:0011400, OMIM 604145.
Autosomal recessive limb-girdle muscular dystrophy type 2J (LGMDR10). Also called: MUSCULAR DYSTROPHY, LIMB-GIRDLE, AUTOSOMAL RECESSIVE 10; Limb-girdle muscular dystrophy, type 2J. Identifiers: Orphanet 140922, MedGen C1837342, MONDO:0012127, OMIM 608807.

Allele frequency attached by ClinVar (database versions not stated): TOPMed below 0.00001; ExAC 0.00001; gnomAD exomes 0.00001.
gnomAD v4.1: 9 of 1,612,350 alleles (0.00056%); highest among the groups gnomAD compares: Non-Finnish European, 0.00076%; no homozygotes.

Submissions (3):

Molecular Diagnostic Laboratory for Inherited Cardiovascular Disease, Montreal Heart Institute
Classification: Likely benign. Last evaluated: 2025-04-09. Review status: criteria provided, single submitter. Criteria: ACMG Guidelines, 2015. Collection method: clinical testing. Allele origin: germline. Affected: no.

Labcorp Genetics (formerly Invitae), Labcorp
Classification: Uncertain significance for Dilated cardiomyopathy 1G; Autosomal recessive limb-girdle muscular dystrophy type 2J. Last evaluated: 2017-09-05. Review status: criteria provided, single submitter. Criteria: Invitae Variant Classification Sherloc (09022015). Collection method: clinical testing. Allele origin: germline.

GeneDx
Classification: Uncertain significance. Last evaluated: 2014-03-26. Review status: criteria provided, single submitter. Criteria: GeneDx Variant Classification (06012015). Collection method: clinical testing. Allele origin: germline. Affected: yes.
Comment: Missense variants in the TTN gene are considered 'unclassified' if they are not previously reported in the literature and do not have >1% frequency in the population to be considered a polymorphism. Research indicates that truncating mutations in the TTN gene are expected to account for approximately 25% of familial and 18% of sporadic idiopathic DCM; however, truncating variants in the TTN gene have been reported in approximately 3% of reported control alleles. There has been little investigation into non-truncating variants. (Herman D et al. Truncations of titin causing dilated cardiomyopathy. N Eng J Med 366:619-628, 2012) The variant is found in CARDIOMYOPATHY panel(s).

NM_001267550.2(TTN):c.94157A>C (p.Glu31386Ala)

Genes: TTN-AS1 (TTN antisense RNA 1; plus strand), TTN (titin; minus strand). Cytogenetic location: 2q31.2.
Variant type: single nucleotide variant.
Coding change: c.94157A>C on transcript NM_001267550.2 (MANE Select); coding-DNA position 94157, A replaced by C.
Protein change: p.Glu31386Ala; replaces glutamic acid 31386 with alanine.
Molecular consequence: missense variant.
Genome position (GRCh38, 1-based): chr2:178,547,469, T>G on the plus strand (A>C on the coding strand, the complement: TTN is on the minus strand). VCF-style: chr2-178547469-T-G. GRCh37 (hg19) VCF-style: chr2-179412196-T-G.
Other names: p.E29745A:GAG>GCG; c.89234A>C, p.Glu29745Ala (NM_001256850.1); c.66962A>C, p.Glu22321Ala (NM_003319.4); c.86453A>C, p.Glu28818Ala (NM_133378.4); c.67337A>C, p.Glu22446Ala (NM_133432.3); c.67538A>C, p.Glu22513Ala (NM_133437.4); short protein forms E29745A, E31386A, E22513A, E28818A, E22321A, E22446A.
Identifiers: ClinVar variation 203000 (VCV000203000.5), dbSNP rs772833696, ClinGen allele CA310938.